The following is an entry in ClinVar:

NM_019098.5(CNGB3):c.663G>A (p.Trp221Ter)

Gene: CNGB3 (cyclic nucleotide gated channel subunit beta 3; minus strand). Cytogenetic location: 8q21.3.
Variant type: single nucleotide variant.
Coding change: c.663G>A on transcript NM_019098.5 (MANE Select); coding-DNA position 663, G replaced by A.
Protein change: p.Trp221Ter; replaces tryptophan 221 with a stop codon.
Molecular consequence: nonsense.
Genome position (GRCh38, 1-based): chr8:86,667,114, C>T on the plus strand (G>A on the coding strand, the complement: CNGB3 is on the minus strand). VCF-style: chr8-86667114-C-T. GRCh37 (hg19) VCF-style: chr8-87679342-C-T.
Other names: short protein forms W221*.
Identifiers: ClinVar variation 5012951 (VCV005012951.1).

ClinVar aggregate classification (germline): Pathogenic (1 of 4 stars; one submission).

Conditions:
Achromatopsia 3 (ACHM3). Also called: ACHROMATOPSIA WITH MYOPIA; PINGELAPESE BLINDNESS; TOTAL COLORBLINDNESS WITH MYOPIA; ROD MONOCHROMACY 1; ROD MONOCHROMATISM 1. Identifiers: Orphanet 49382, MedGen C1849792, MONDO:0009875, OMIM 262300.

Submission:

Myriad Genetics, Inc.
Classification: Pathogenic for Achromatopsia 3. Last evaluated: 2024-04-24. Review status: criteria provided, single submitter. Criteria: Myriad Autosomal Dominant, Autosomal Recessive and X-Linked Classification Criteria (2023). Collection method: clinical testing. Allele origin: unknown.
Comment: NM_019098.4(CNGB3):c.663G>A(W221*) is expected to be pathogenic in the context of achromatopsia, CNGB3-related. This variant is predicted to lead to an abnormal or absent protein product due to the creation of a premature termination codon in CNGB3, a gene where loss-of-function variants are known to be pathogenic. Please note: this variant was assessed in the context of healthy population screening.